The following is an entry in ClinVar:

NM_001394998.1(TANC2):c.4146_4147del (p.Arg1383fs)

Gene: TANC2 (tetratricopeptide repeat, ankyrin repeat and coiled-coil containing 2; plus strand). Cytogenetic location: 17q23.3.
Variant type: Microsatellite.
Coding change: c.4146_4147del on transcript NM_001394998.1 (MANE Select); coding-DNA positions 4146 to 4147, 2 bases deleted (TC; older notation c.4146_4147delTC).
Protein change: p.Arg1383fs; shifts the reading frame from arginine 1383.
Molecular consequence: frameshift variant.
Genome position (GRCh38, 1-based): chr17:63,415,653-63,415,654, TC deleted; deleting any 2 consecutive bases within chr17:63,415,648-63,415,654 gives the same sequence; the c. name uses the placement nearest the transcript's 3' end. VCF-style (leftmost placement, unchanged base first): chr17-63415647-CCT-C. GRCh37 (hg19) VCF-style: chr17-61493008-CCT-C.
Other names: c.3924_3925del, p.Arg1309fs (NM_001411076.1); c.3894_3895del, p.Arg1299fs (NM_025185.4); short protein forms R1299fs, R1309fs, R1383fs.
Identifiers: ClinVar variation 4076238 (VCV004076238.1).
Genomic context (GRCh38, chr17:63,415,647, plus strand): 5'-AGAAGGGTTTGGTGAGGACTTGAAAACTTTCCGGGAACTAAAGGTGTCTCTCCTCCTCAA[CCT>C]CTCTCGGTGTCGCAGGAAAATGAACGTAAGTCCCTGTCACCCCAACTCCTTTCTGCAATC-3'

ClinVar aggregate classification (germline): Likely pathogenic (1 of 4 stars; one submission).

Conditions:
Intellectual developmental disorder with autistic features and language delay, with or without seizures. Identifiers: MedGen C5394447, MONDO:0030051, OMIM 618906.

Submission:

Laboratorio de Genetica e Diagnostico Molecular, Hospital Israelita Albert Einstein
Classification: Likely pathogenic for Intellectual developmental disorder with autistic features and language delay, with or without seizures. Last evaluated: 2024-09-20. Review status: criteria provided, single submitter. Criteria: ACMG Guidelines, 2015. Collection method: clinical testing. Allele origin: germline. Affected: yes.
Comment: ACMG classification criteria: PVS1 very strong, PM2 supporting